The following is an entry in ClinVar:

NM_000489.6(ATRX):c.689T>C (p.Ile230Thr)

Gene: ATRX (ATRX chromatin remodeler; minus strand). Cytogenetic location: Xq21.1.
Variant type: single nucleotide variant.
Coding change: c.689T>C on transcript NM_000489.6 (MANE Select); coding-DNA position 689, T replaced by C.
Protein change: p.Ile230Thr; replaces isoleucine 230 with threonine.
Molecular consequence: missense variant.
Genome position (GRCh38, 1-based): chrX:77,684,567, A>G on the plus strand (T>C on the coding strand, the complement: ATRX is on the minus strand). VCF-style: chrX-77684567-A-G. GRCh37 (hg19) VCF-style: chrX-76940059-A-G.
Other names: c.575T>C, p.Ile192Thr (NM_138270.5); short protein forms I192T, I230T.
Identifiers: ClinVar variation 4536687 (VCV004536687.1).

ClinVar aggregate classification (germline): Uncertain significance (1 of 4 stars; one submission).

Submission:

Women's Health and Genetics/Laboratory Corporation of America, LabCorp
Classification: Uncertain significance. Last evaluated: 2025-11-14. Review status: criteria provided, single submitter. Criteria: LabCorp Variant Classification Summary - May 2015. Collection method: clinical testing. Allele origin: germline.
Comment: Variant summary: ATRX c.689T>C (p.Ile230Thr) results in a non-conservative amino acid change in the encoded protein sequence. Algorithms developed to predict the effect of missense changes on protein structure and function all suggest that this variant is likely to be disruptive. The variant was absent in 181638 control chromosomes. The available data on variant occurrences in the general population are insufficient to allow any conclusion about variant significance. To our knowledge, no occurrence of c.689T>C in individuals affected with ATRX-related conditions and no experimental evidence demonstrating its impact on protein function have been reported. No submitters have cited clinical-significance assessments for this variant to ClinVar. Based on the evidence outlined above, the variant was classified as uncertain significance.